The following is an entry in ClinVar:

ClinVar aggregate classification (germline): Pathogenic/Likely pathogenic. Review status: criteria provided, multiple submitters, no conflicts (2 of 4 stars). 2 submissions from 2 submitters: Pathogenic (1); Likely pathogenic (1). Last evaluated 2020-07-08.

Conditions:
GLDC-related disorders.
Glycine encephalopathy. Also called: Non-ketotic hyperglycinemia; Nonketotic hyperglycinemia. Identifiers: Orphanet 407, MedGen C0751748, MONDO:0011612, HP:0008288.

Submissions (2):

Labcorp Genetics (formerly Invitae), Labcorp
Classification: Pathogenic for Glycine encephalopathy. Last evaluated: 2020-07-08. Review status: criteria provided, single submitter. Criteria: Invitae Variant Classification Sherloc (09022015). Collection method: clinical testing. Allele origin: germline.
Comment: This sequence change creates a premature translational stop signal (p.Glu205Argfs*26) in the GLDC gene. It is expected to result in an absent or disrupted protein product. This variant is not present in population databases (ExAC no frequency). For these reasons, this variant has been classified as Pathogenic. Loss-of-function variants in GLDC are known to be pathogenic (PMID: 16601880). This variant has not been reported in the literature in individuals with GLDC-related conditions.

Blueprint Genetics
Classification: Likely pathogenic for GLDC-related disorders. Last evaluated: 2019-10-07. Review status: criteria provided, single submitter. Criteria: ACMG Guidelines, 2015. Collection method: clinical testing. Allele origin: germline. Affected: yes. Observed: 2 variant alleles.

Literature cited by the submitters: PubMed 16601880 (cited by Labcorp Genetics (formerly Invitae), Labcorp).

NM_000170.3(GLDC):c.613del (p.Glu205fs)

Gene: GLDC (glycine decarboxylase; minus strand). Cytogenetic location: 9p24.1.
Variant type: Deletion.
Coding change: c.613del on transcript NM_000170.3 (MANE Select); coding-DNA position 613, one base deleted (G; older notation c.613delG).
Protein change: p.Glu205fs; shifts the reading frame from glutamic acid 205.
Molecular consequence: frameshift variant.
Genome position (GRCh38, 1-based): chr9:6,610,214, C deleted on the plus strand (G on the coding strand, the reverse complement: GLDC is on the minus strand). VCF-style (leftmost placement, unchanged base first): chr9-6610213-TC-T. GRCh37 (hg19) VCF-style: chr9-6610213-TC-T.
Other names: short protein forms E205fs.
Identifiers: ClinVar variation 1075327 (VCV001075327.8), dbSNP rs2129916235, ClinGen allele CA2499219925.
Genomic context (GRCh38, chr9:6,610,213, plus strand): 5'-CCCACAACTGGAATTCCAGCACTTTGAGAGGCCTCTCACCTGTAGCACAGCTGCAGTGCC[TC>T]TGCGGCTGCAGTCCCCTCATCCAGCAGGGATGCATTGGCCATGTCCAGGCCTGTGATGTC-3'